The following is an entry in ClinVar:

NM_001371928.1(AHDC1):c.2544C>A (p.Asp848Glu)

Gene: AHDC1 (AT-hook DNA binding motif containing 1; minus strand). Cytogenetic location: 1p36.11.
Variant type: single nucleotide variant.
Coding change: c.2544C>A on transcript NM_001371928.1 (MANE Select); coding-DNA position 2544, C replaced by A.
Protein change: p.Asp848Glu; replaces aspartic acid 848 with glutamic acid.
Molecular consequence: missense variant.
Genome position (GRCh38, 1-based): chr1:27,549,572, G>T on the plus strand (C>A on the coding strand, the complement: AHDC1 is on the minus strand). VCF-style: chr1-27549572-G-T. GRCh37 (hg19) VCF-style: chr1-27876083-G-T.
Other names: c.2544C>A, p.Asp848Glu (NM_001029882.3); short protein forms D848E.
Identifiers: ClinVar variation 2990101 (VCV002990101.3), dbSNP rs913338538, ClinGen allele CA19874308.

ClinVar aggregate classification (germline): Uncertain significance (1 of 4 stars; one submission).

Allele frequency attached by ClinVar (database versions not stated): TOPMed 0.00001; gnomAD exomes below 0.00001.
gnomAD v4.1: 2 of 1,613,232 alleles (0.00012%); highest among the groups gnomAD compares: African/African-American, 0.0027%; no homozygotes.

Submission:

Labcorp Genetics (formerly Invitae), Labcorp
Classification: Uncertain significance. Last evaluated: 2025-02-26. Review status: criteria provided, single submitter. Criteria: Invitae Variant Classification Sherloc (09022015). Collection method: clinical testing. Allele origin: germline.
Comment: This sequence change replaces aspartic acid, which is acidic and polar, with glutamic acid, which is acidic and polar, at codon 848 of the AHDC1 protein (p.Asp848Glu). This variant is present in population databases (no rsID available, gnomAD 0.007%). This variant has not been reported in the literature in individuals affected with AHDC1-related conditions. ClinVar contains an entry for this variant (Variation ID: 2990101). An algorithm developed to predict the effect of missense changes on protein structure and function (PolyPhen-2) suggests that this variant is likely to be disruptive. In summary, the available evidence is currently insufficient to determine the role of this variant in disease. Therefore, it has been classified as a Variant of Uncertain Significance.